The following is an entry in ClinVar:

NM_001165963.4(SCN1A):c.3662A>G (p.Glu1221Gly)

Genes: SCN1A (sodium voltage-gated channel alpha subunit 1; minus strand), LOC102724058 (uncharacterized LOC102724058; plus strand). Cytogenetic location: 2q24.3.
Variant type: single nucleotide variant.
Coding change: c.3662A>G on transcript NM_001165963.4 (MANE Select); coding-DNA position 3662, A replaced by G.
Protein change: p.Glu1221Gly; replaces glutamic acid 1221 with glycine.
Molecular consequence: missense variant. On other transcripts: non-coding transcript variant (1).
Genome position (GRCh38, 1-based): chr2:166,013,787, T>C on the plus strand (A>G on the coding strand, the complement: SCN1A is on the minus strand). VCF-style: chr2-166013787-T-C. GRCh37 (hg19) VCF-style: chr2-166870297-T-C.
Other names: c.3578A>G, p.Glu1193Gly (NM_001165964.3, NM_001353957.2, NM_001353958.2); c.3662A>G, p.Glu1221Gly (NM_001202435.3, NM_001353948.2); c.3629A>G, p.Glu1210Gly (NM_001353949.2, NM_001353950.2, NM_001353951.2 and 2 more transcripts); c.3626A>G, p.Glu1209Gly (NM_001353954.2, NM_001353955.2); c.3575A>G, p.Glu1192Gly (NM_001353960.2); c.1220A>G, p.Glu407Gly (NM_001353961.2); short protein forms E1192G, E1193G, E1209G, E1210G, E1221G, E407G.
Identifiers: ClinVar variation 1004237 (VCV001004237.9), dbSNP rs1692866593, ClinGen allele CA349055914.

ClinVar aggregate classification (germline): Likely pathogenic (1 of 4 stars; one submission).

Conditions:
Early-infantile DEE. Also called: Early infantile epileptic encephalopathy with suppression bursts; Ohtahara syndrome; Early infantile epileptic encephalopathy. Identifiers: Orphanet 1934, MedGen C0393706, MONDO:0800491.

Submission:

Labcorp Genetics (formerly Invitae), Labcorp
Classification: Likely pathogenic for Early-infantile DEE. Last evaluated: 2022-07-05. Review status: criteria provided, single submitter. Criteria: Invitae Variant Classification Sherloc (09022015). Collection method: clinical testing. Allele origin: germline.
Comment: This variant is not present in population databases (gnomAD no frequency). In summary, the currently available evidence indicates that the variant is pathogenic, but additional data are needed to prove that conclusively. Therefore, this variant has been classified as Likely Pathogenic. This variant disrupts the p.Glu1221 amino acid residue in SCN1A. Other variant(s) that disrupt this residue have been determined to be pathogenic (PMID: 21248271). This suggests that this residue is clinically significant, and that variants that disrupt this residue are likely to be disease-causing. Advanced modeling of protein sequence and biophysical properties (such as structural, functional, and spatial information, amino acid conservation, physicochemical variation, residue mobility, and thermodynamic stability) performed at Invitae indicates that this missense variant is expected to disrupt SCN1A protein function. ClinVar contains an entry for this variant (Variation ID: 1004237). This missense change has been observed in individual(s) with clinical features of epileptic encephalopathy with cerebellar atrophy (Invitae). This sequence change replaces glutamic acid, which is acidic and polar, with glycine, which is neutral and non-polar, at codon 1221 of the SCN1A protein (p.Glu1221Gly).

Literature cited by the submitters: PubMed 21248271.